The following is an entry in ClinVar:

ClinVar aggregate classification (germline): Uncertain significance. Review status: criteria provided, multiple submitters, no conflicts (2 of 4 stars). 2 submissions from 2 submitters: Uncertain significance (2). Last evaluated 2024-11-21.

Conditions:
Inborn genetic diseases. Identifiers: MedGen C0950123, MeSH D030342.

gnomAD v4.1: 23 of 1,614,016 alleles (0.0014%); highest among the groups gnomAD compares: East Asian, 0.051%; no homozygotes.

Submissions (2):

Ambry Genetics
Classification: Uncertain significance for Inborn genetic diseases. Last evaluated: 2024-11-21. Review status: criteria provided, single submitter. Criteria: Ambry Variant Classification Scheme 2023. Collection method: clinical testing. Allele origin: germline.

Labcorp Genetics (formerly Invitae), Labcorp
Classification: Uncertain significance. Last evaluated: 2024-05-15. Review status: criteria provided, single submitter. Criteria: Invitae Variant Classification Sherloc (09022015). Collection method: clinical testing. Allele origin: germline.
Comment: This sequence change replaces glycine, which is neutral and non-polar, with alanine, which is neutral and non-polar, at codon 761 of the EPRS protein (p.Gly761Ala). This variant is present in population databases (rs201931421, gnomAD 0.03%). This variant has not been reported in the literature in individuals affected with EPRS-related conditions. An algorithm developed to predict the effect of missense changes on protein structure and function (PolyPhen-2) suggests that this variant is likely to be disruptive. In summary, the available evidence is currently insufficient to determine the role of this variant in disease. Therefore, it has been classified as a Variant of Uncertain Significance.

NM_004446.3(EPRS1):c.2282G>C (p.Gly761Ala)

Gene: EPRS1 (glutamyl-prolyl-tRNA synthetase 1; minus strand). Cytogenetic location: 1q41.
Variant type: single nucleotide variant.
Coding change: c.2282G>C on transcript NM_004446.3 (MANE Select); coding-DNA position 2282, G replaced by C.
Protein change: p.Gly761Ala; replaces glycine 761 with alanine.
Molecular consequence: missense variant.
Genome position (GRCh38, 1-based): chr1:219,997,242, C>G on the plus strand (G>C on the coding strand, the complement: EPRS1 is on the minus strand). VCF-style: chr1-219997242-C-G. GRCh37 (hg19) VCF-style: chr1-220170584-C-G.
Other names: short protein forms G761A.
Identifiers: ClinVar variation 3509603 (VCV003509603.3).